The following is an entry in ClinVar:

NM_000051.4(ATM):c.5319+8_5319+11delinsTTATTC

Gene: ATM (ATM serine/threonine kinase; plus strand). Cytogenetic location: 11q22.3.
Variant type: Indel.
Coding change: c.5319+8_5319+11delinsTTATTC on transcript NM_000051.4 (MANE Select); bases 8 to 11 of the intron after coding-DNA position 5319, AAGT replaced by TTATTC.
Molecular consequence: intron variant.
Genome position (GRCh38, 1-based): chr11:108,301,797-108,301,800, AAGT replaced by TTATTC. VCF-style: chr11-108301797-AAGT-TTATTC. GRCh37 (hg19) VCF-style: chr11-108172524-AAGT-TTATTC.
Other names: c.5319+8_5319+11delinsTTATTC (NM_001351834.2).
Identifiers: ClinVar variation 3254268 (VCV003254268.1), dbSNP rs2546974546.

ClinVar aggregate classification (germline): Likely benign (1 of 4 stars; one submission).

Conditions:
Familial cancer of breast. Also called: BREAST CANCER, FAMILIAL; Hereditary breast cancer; hereditary breast carcinoma. Identifiers: Orphanet 227535, MedGen C0346153, MONDO:0016419, OMIM 114480. Disease mechanism: loss of function.

Submission:

Myriad Genetics, Inc.
Classification: Likely benign for Familial cancer of breast. Last evaluated: 2024-05-22. Review status: criteria provided, single submitter. Criteria: Myriad Autosomal Dominant, Autosomal Recessive and X-Linked Classification Criteria (2023). Collection method: clinical testing. Allele origin: unknown.
Comment: This variant is considered likely benign. This variant is intronic and is not expected to impact mRNA splicing.